The following is an entry in ClinVar:

ClinVar aggregate classification (germline): Benign/Likely benign. Review status: criteria provided, multiple submitters, no conflicts (2 of 4 stars). 4 submissions from 4 submitters: Benign (2); Likely benign (2). Last evaluated 2024-08-06.

Conditions:
Hereditary cancer-predisposing syndrome. Also called: Neoplastic Syndromes, Hereditary; Hereditary Cancer Syndrome; Tumor predisposition; Hereditary neoplastic syndrome. Identifiers: Orphanet 140162, MedGen C0027672, MeSH D009386, MONDO:0015356.

Submissions (4):

Blueprint Genetics
Classification: Benign. Last evaluated: 2024-08-06. Review status: criteria provided, single submitter. Criteria: ACMG Guidelines, 2015. Collection method: clinical testing. Allele origin: germline.

CeGaT Center for Human Genetics Tuebingen
Classification: Likely benign. Last evaluated: 2024-05-01. Review status: criteria provided, single submitter. Criteria: CeGaT Center For Human Genetics Tuebingen Variant Classification Criteria Version 2. Collection method: clinical testing. Allele origin: germline. Affected: yes. Observed: 1 variant allele.
Comment: CDC73: BP4

Ambry Genetics
Classification: Benign for Hereditary cancer-predisposing syndrome. Last evaluated: 2022-08-30. Review status: criteria provided, single submitter. Criteria: Ambry Variant Classification Scheme 2023. Collection method: clinical testing. Allele origin: germline.

GeneDx
Classification: Likely benign. Last evaluated: 2017-05-25. Review status: criteria provided, single submitter. Criteria: GeneDx Variant Classification (06012015). Collection method: clinical testing. Allele origin: germline. Affected: yes.
Comment: This variant is considered likely benign or benign based on one or more of the following criteria: it is a conservative change, it occurs at a poorly conserved position in the protein, it is predicted to be benign by multiple in silico algorithms, and/or has population frequency not consistent with disease.

NM_024529.5(CDC73):c.-4del

Gene: CDC73 (cell division cycle 73; plus strand). Cytogenetic location: 1q31.2.
Variant type: Deletion.
Coding change: c.-4del on transcript NM_024529.5 (MANE Select); 4 bases upstream of the start codon, one base deleted (G; older notation c.-4delG).
Molecular consequence: 5 prime UTR variant.
Genome position (GRCh38, 1-based): chr1:193,122,197, G deleted; the last of 8 consecutive G bases (chr1:193,122,190-193,122,197); deleting any one gives the same sequence. VCF-style (leftmost placement, unchanged base first): chr1-193122189-AG-A. GRCh37 (hg19) VCF-style: chr1-193091319-AG-A.
Other names: c.-4delG (NM_024529.4).
Identifiers: ClinVar variation 506631 (VCV000506631.23), dbSNP rs545666726, ClinGen allele CA1303228.